The following is an entry in ClinVar:

ClinVar aggregate classification (germline): Likely pathogenic (1 of 4 stars; one submission).

Conditions:
Lynch syndrome. Identifiers: Orphanet 144, MedGen C4552100, MONDO:0005835. Disease mechanism: loss of function.

Submission:

Department of Clinical Genetics, Copenhagen University Hospital, Rigshospitalet
Classification: Likely pathogenic for Lynch syndrome. Last evaluated: 2025-02-04. Review status: criteria provided, single submitter. Criteria: ACMG Guidelines, 2015. Collection method: clinical testing. Allele origin: germline.
Comment: PVS1; PM2_SUP;

NM_000179.3(MSH6):c.2611del (p.Ile871fs)

Gene: MSH6 (mutS homolog 6; plus strand). Cytogenetic location: 2p16.3.
Variant type: Deletion.
Coding change: c.2611del on transcript NM_000179.3 (MANE Select); coding-DNA position 2611, one base deleted (A; older notation c.2611delA).
Protein change: p.Ile871fs; shifts the reading frame from isoleucine 871.
Molecular consequence: frameshift variant. On other transcripts: non-coding transcript variant (5), intron variant (3).
Genome position (GRCh38, 1-based): chr2:47,800,594, A deleted; the last of 4 consecutive A bases (chr2:47,800,591-47,800,594); deleting any one gives the same sequence. VCF-style (leftmost placement, unchanged base first): chr2-47800590-TA-T. GRCh37 (hg19) VCF-style: chr2-48027729-TA-T.
Other names: c.2221del, p.Ile741fs (NM_001281492.2); c.1705del, p.Ile569fs (NM_001281493.2, NM_001281494.2, NM_001406811.1 and 6 more transcripts); c.2707del, p.Ile903fs (NM_001406795.1, NM_001406802.1); c.2611del, p.Ile871fs (NM_001406796.1, NM_001406798.1, NM_001406800.1 and 2 more transcripts); c.2314del, p.Ile772fs (NM_001406797.1, NM_001406801.1, NM_001406805.1 and 10 more transcripts); c.2086del, p.Ile696fs (NM_001406799.1, NM_001406806.1, NM_001406807.1); c.2533del, p.Ile845fs (NM_001406804.1); c.2617del, p.Ile873fs (NM_001406813.1); and 4 more; short protein forms I569fs, I696fs, I741fs, I772fs, I815fs, I845fs, I871fs, I873fs.
Identifiers: ClinVar variation 3602789 (VCV003602789.2).